The following is an entry in ClinVar:

ClinVar aggregate classification (germline): Uncertain significance. Review status: criteria provided, multiple submitters, no conflicts (2 of 4 stars). 2 submissions from 2 submitters: Uncertain significance (2). Last evaluated 2024-03-27.

Submissions (2):

GeneDx
Classification: Uncertain significance. Last evaluated: 2024-03-27. Review status: criteria provided, single submitter. Criteria: GeneDx Variant Classification Process June 2021. Collection method: clinical testing. Allele origin: germline. Affected: yes.
Comment: Not observed at significant frequency in large population cohorts (gnomAD); In silico analysis supports that this missense variant has a deleterious effect on protein structure/function; Has not been previously published as pathogenic or benign to our knowledge

Labcorp Genetics (formerly Invitae), Labcorp
Classification: Uncertain significance. Last evaluated: 2022-10-14. Review status: criteria provided, single submitter. Criteria: Invitae Variant Classification Sherloc (09022015). Collection method: clinical testing. Allele origin: germline.
Comment: Advanced modeling of protein sequence and biophysical properties (such as structural, functional, and spatial information, amino acid conservation, physicochemical variation, residue mobility, and thermodynamic stability) has been performed at Invitae for this missense variant, however the output from this modeling did not meet the statistical confidence thresholds required to predict the impact of this variant on HUWE1 protein function. This variant has not been reported in the literature in individuals affected with HUWE1-related conditions. This variant is not present in population databases (gnomAD no frequency). This sequence change replaces arginine, which is basic and polar, with tryptophan, which is neutral and slightly polar, at codon 3445 of the HUWE1 protein (p.Arg3445Trp). In summary, the available evidence is currently insufficient to determine the role of this variant in disease. Therefore, it has been classified as a Variant of Uncertain Significance.

NM_031407.7(HUWE1):c.10333C>T (p.Arg3445Trp)

Gene: HUWE1 (HECT, UBA and WWE domain containing E3 ubiquitin protein ligase 1; minus strand). Cytogenetic location: Xp11.22.
Variant type: single nucleotide variant.
Coding change: c.10333C>T on transcript NM_031407.7 (MANE Select); coding-DNA position 10333, C replaced by T.
Protein change: p.Arg3445Trp; replaces arginine 3445 with tryptophan.
Molecular consequence: missense variant.
Genome position (GRCh38, 1-based): chrX:53,547,976, G>A on the plus strand (C>T on the coding strand, the complement: HUWE1 is on the minus strand). VCF-style: chrX-53547976-G-A. GRCh37 (hg19) VCF-style: chrX-53574937-G-A.
Other names: c.10333C>T (NM_031407.4); short protein forms R3445W.
Identifiers: ClinVar variation 2013974 (VCV002013974.5), dbSNP rs2523135463, ClinGen allele CA413135928.